The following is an entry in ClinVar:

NM_001018115.3(FANCD2):c.673G>A (p.Ala225Thr)

Genes: FANCD2 (FA complementation group D2; plus strand), LOC107303338 (3p25 FANCD2 Alu-mediated recombination region; plus strand). Cytogenetic location: 3p25.3.
Variant type: single nucleotide variant.
Coding change: c.673G>A on transcript NM_001018115.3 (MANE Select); coding-DNA position 673, G replaced by A.
Protein change: p.Ala225Thr; replaces alanine 225 with threonine.
Molecular consequence: missense variant.
Genome position (GRCh38, 1-based): chr3:10,039,823, G>A. VCF-style: chr3-10039823-G-A. GRCh37 (hg19) VCF-style: chr3-10081507-G-A.
Other names: c.673G>A, p.Ala225Thr (NM_001319984.2, NM_001374253.1, NM_001374254.1 and 2 more transcripts); short protein forms A225T.
Identifiers: ClinVar variation 2011089 (VCV002011089.2), dbSNP rs752741393, ClinGen allele CA2249293.
Genomic context (GRCh38, chr3:10,039,823, plus strand): 5'-GAGAACCTGCAGCATGACATCATCACCAGCCTACCTGAGATCCTAGGGGATTCCCAGCAC[G>A]CTGATGTGGGGAAAGAACTCAGGTGGATAAACCCTCTGTCATCATCTAAGTGAGGCTCAG-3'
Protein context (NP_001018125.1, residues 215-235): LPEILGDSQH[Ala225Thr]DVGKELSDLL

ClinVar aggregate classification (germline): Uncertain significance (1 of 4 stars; one submission).

Conditions:
Fanconi anemia (FA). Also called: Fanconi's anemia. Identifiers: Orphanet 84, MedGen C0015625, MeSH D005199, MONDO:0019391.

Allele frequency attached by ClinVar (database versions not stated): TOPMed below 0.00001.
gnomAD v4.1: 13 of 1,613,884 alleles (0.00081%); highest among the groups gnomAD compares: African/African-American, 0.0053%; no homozygotes.

Submission:

Labcorp Genetics (formerly Invitae), Labcorp
Classification: Uncertain significance for Fanconi anemia. Last evaluated: 2025-12-04. Review status: criteria provided, single submitter. Criteria: Invitae Variant Classification Sherloc (09022015). Collection method: clinical testing. Allele origin: germline.
Comment: This sequence change replaces alanine, which is neutral and non-polar, with threonine, which is neutral and polar, at codon 225 of the FANCD2 protein (p.Ala225Thr). This variant is present in population databases (rs752741393, gnomAD 0.01%). This variant has not been reported in the literature in individuals affected with FANCD2-related conditions. ClinVar contains an entry for this variant (Variation ID: 2011089). Invitae Evidence Modeling of protein sequence and biophysical properties (such as structural, functional, and spatial information, amino acid conservation, physicochemical variation, residue mobility, and thermodynamic stability) indicates that this missense variant is not expected to disrupt FANCD2 protein function with a negative predictive value of 80%. In summary, the available evidence is currently insufficient to determine the role of this variant in disease. Therefore, it has been classified as a Variant of Uncertain Significance.